The following is an entry in ClinVar:

ClinVar aggregate classification (germline): Conflicting classifications of pathogenicity. Review status: criteria provided, conflicting classifications (1 of 4 stars). 3 submissions from 3 submitters: Uncertain significance (2); Benign (1). Last evaluated 2025-07-15.

Conditions:
Hereditary breast ovarian cancer syndrome. Also called: Hereditary breast and ovarian cancer syndrome (HBOC); Breast and ovarian cancer; Hereditary breast and ovarian cancer syndrome; Hereditary breast and/or ovarian cancer syndrome; BRCA1- and BRCA2-Associated Hereditary Breast and Ovarian Cancer; Hereditary breast and ovarian cancer. Identifiers: Orphanet 145, MedGen C0677776, MeSH D061325, MONDO:0003582. Disease mechanism: loss of function.
Hereditary cancer-predisposing syndrome. Also called: Neoplastic Syndromes, Hereditary; Hereditary Cancer Syndrome; Hereditary neoplastic syndrome; Tumor predisposition. Identifiers: Orphanet 140162, MedGen C0027672, MeSH D009386, MONDO:0015356.

Allele frequency attached by ClinVar (database versions not stated): gnomAD exomes below 0.00001.
gnomAD v4.1: 2 of 1,613,382 alleles (0.00012%); highest among the groups gnomAD compares: South Asian, 0.0011%; no homozygotes.

Submissions (3):

Ambry Genetics
Classification: Uncertain significance for Hereditary cancer-predisposing syndrome. Last evaluated: 2025-07-15. Review status: criteria provided, single submitter. Criteria: Ambry Variant Classification Scheme 2023. Collection method: clinical testing. Allele origin: germline.
Comment: The p.L574F variant (also known as c.1720C>T), located in coding exon 9 of the BRCA1 gene, results from a C to T substitution at nucleotide position 1720. The leucine at codon 574 is replaced by phenylalanine, an amino acid with highly similar properties. This amino acid position is well conserved in available vertebrate species. In addition, the in silico prediction for this alteration is inconclusive. Since supporting evidence is limited at this time, the clinical significance of this alteration remains unclear.

GeneDx
Classification: Uncertain significance. Last evaluated: 2023-04-04. Review status: criteria provided, single submitter. Criteria: GeneDx Variant Classification Process June 2021. Collection method: clinical testing. Allele origin: germline. Affected: yes.
Comment: Not observed at significant frequency in large population cohorts (gnomAD); In silico analysis supports that this missense variant has a deleterious effect on protein structure/function; Has not been previously published as pathogenic or benign to our knowledge; This variant is associated with the following publications: (PMID: 15343273)

Labcorp Genetics (formerly Invitae), Labcorp
Classification: Benign for Hereditary breast ovarian cancer syndrome. Last evaluated: 2021-08-26. Review status: criteria provided, single submitter. Criteria: Invitae Variant Classification Sherloc (09022015). Collection method: clinical testing. Allele origin: germline.

NM_007294.4(BRCA1):c.1720C>T (p.Leu574Phe)

Gene: BRCA1 (BRCA1 DNA repair associated; minus strand). Cytogenetic location: 17q21.31.
Variant type: single nucleotide variant.
Coding change: c.1720C>T on transcript NM_007294.4 (MANE Select); coding-DNA position 1720, C replaced by T.
Protein change: p.Leu574Phe; replaces leucine 574 with phenylalanine.
Molecular consequence: missense variant. On other transcripts: intron variant (137).
Genome position (GRCh38, 1-based): chr17:43,093,811, G>A on the plus strand (C>T on the coding strand, the complement: BRCA1 is on the minus strand). VCF-style: chr17-43093811-G-A. GRCh37 (hg19) VCF-style: chr17-41245828-G-A.
Other names: c.1507C>T, p.Leu503Phe (NM_001407895.1, NM_001407896.1, NM_001407897.1 and 9 more transcripts); c.1510C>T, p.Leu504Phe (NM_001407900.1, NM_001407902.1, NM_001407904.1 and 13 more transcripts); c.1597C>T, p.Leu533Phe (NM_001407919.1, NM_001407937.1, NM_001407938.1 and 19 more transcripts); c.1456C>T, p.Leu486Phe (NM_001407920.1, NM_001407921.1, NM_001407922.1 and 9 more transcripts); c.1453C>T, p.Leu485Phe (NM_001407930.1, NM_001407931.1, NM_001407932.1 and 2 more transcripts); c.1594C>T, p.Leu532Phe (NM_001407940.1, NM_001407941.1, NM_001407649.1 and 11 more transcripts); c.1579C>T, p.Leu527Phe (NM_001407942.1, NM_001407944.1, NM_001407945.1 and 29 more transcripts); c.1576C>T, p.Leu526Phe (NM_001407943.1, NM_001407964.1, NM_001407740.1 and 20 more transcripts); and 40 more; short protein forms L527F, L574F, L446F, L463F, L485F, L507F, L573F, L406F.
Identifiers: ClinVar variation 1652406 (VCV001652406.13), dbSNP rs1323998441, ClinGen allele CA10598589.